The following is an entry in ClinVar:

NM_001042681.2(RERE):c.2814G>C (p.Gln938His)

Gene: RERE (arginine-glutamic acid dipeptide repeats; minus strand). Cytogenetic location: 1p36.23.
Variant type: single nucleotide variant.
Coding change: c.2814G>C on transcript NM_001042681.2 (MANE Select); coding-DNA position 2814, G replaced by C.
Protein change: p.Gln938His; replaces glutamine 938 with histidine.
Molecular consequence: missense variant.
Genome position (GRCh38, 1-based): chr1:8,360,693, C>G on the plus strand (G>C on the coding strand, the complement: RERE is on the minus strand). VCF-style: chr1-8360693-C-G. GRCh37 (hg19) VCF-style: chr1-8420753-C-G.
Other names: c.1152G>C, p.Gln384His (NM_001042682.2); c.2814G>C, p.Gln938His (NM_012102.4); short protein forms Q384H, Q938H.
Identifiers: ClinVar variation 1805160 (VCV001805160.1), dbSNP rs1641532669, ClinGen allele CA338171852.

ClinVar aggregate classification (germline): Uncertain significance (1 of 4 stars; one submission).

Conditions:
Neurodevelopmental disorder with or without anomalies of the brain, eye, or heart (NEDBEH). Identifiers: Orphanet 494344, MedGen C5567477, MONDO:0014857, OMIM 616975.

Allele frequency attached by ClinVar (database versions not stated): gnomAD exomes below 0.00001; gnomAD 0.00001.
gnomAD v4.1: 3 of 1,538,212 alleles (0.0002%); highest among the groups gnomAD compares: South Asian, 0.0024%; no homozygotes.

Submission:

Victorian Clinical Genetics Services, Murdoch Childrens Research Institute
Classification: Uncertain significance for Neurodevelopmental disorder with or without anomalies of the brain, eye, or heart. Last evaluated: 2020-06-11. Review status: criteria provided, single submitter. Criteria: ACMG Guidelines, 2015. Collection method: clinical testing. Allele origin: germline. Inheritance: Autosomal dominant inheritance. Affected: yes.
Comment: Based on the classification scheme VCGS_Germline_v1.1.1, this variant is classified as 3B-VUS. Following criteria are met: 0102 - Loss-of-function is a known mechanism of disease for this gene. (N) 0107 - This gene is known to be associated with autosomal dominant disease. (N) 0200 - Variant is predicted to result in a missense amino acid change from glutamine to histidine (exon 18). (N) 0251 - Variant is heterozygous. (N) 0302 - Variant is present in gnomAD <0.001 for a dominant condition (1 heterozygote, 0 homozygotes). (P) 0502 - Missense variant with conflicting in silico predictions and/or uninformative conservation. (N) 0600 - Variant is located in an annotated domain or motif (proline rich motif in Atrophin-1 domain; PDB). (N) 0705 - No comparable variants have previous evidence for pathogenicity. (N) 0807 - Variant has not previously been reported in a clinical context. (N) 0905 - No segregation evidence has been identified for this variant. (N) 1007 - No published functional evidence has been identified for this variant. (N) 1208 - Inheritance information for this variant is not currently available. (N) Legend: (P) - Pathogenic, (N) - Neutral, (B) - Benign